The following is an entry in ClinVar:

NM_001291415.2(KDM6A):c.142G>T (p.Ala48Ser)

Gene: KDM6A (lysine demethylase 6A; plus strand). Cytogenetic location: Xp11.3.
Variant type: single nucleotide variant.
Coding change: c.142G>T on transcript NM_001291415.2 (MANE Select); coding-DNA position 142, G replaced by T.
Protein change: p.Ala48Ser; replaces alanine 48 with serine.
Molecular consequence: missense variant. On other transcripts: 5 prime UTR variant (1), non-coding transcript variant (1).
Genome position (GRCh38, 1-based): chrX:44,873,693, G>T. VCF-style: chrX-44873693-G-T. GRCh37 (hg19) VCF-style: chrX-44732939-G-T.
Other names: c.142G>T, p.Ala48Ser (NM_001291416.2, NM_001291417.2, NM_001291418.2 and 2 more transcripts); c.-491G>T (NM_001291421.2); short protein forms A48S.
Identifiers: ClinVar variation 1707786 (VCV001707786.2), dbSNP rs2519218021, ClinGen allele CA413020377.

ClinVar aggregate classification (germline): Uncertain significance (1 of 4 stars; one submission).

Submission:

GeneDx
Classification: Uncertain significance. Last evaluated: 2022-03-30. Review status: criteria provided, single submitter. Criteria: GeneDx Variant Classification Process June 2021. Collection method: clinical testing. Allele origin: germline. Affected: yes.
Comment: Not observed at significant frequency in large population cohorts (gnomAD); In silico analysis supports that this missense variant does not alter protein structure/function; Has not been previously published as pathogenic or benign to our knowledge